The following is an entry in ClinVar:

NM_000520.6(HEXA):c.285G>C (p.Leu95Phe)

Gene: HEXA (hexosaminidase subunit alpha; minus strand). Cytogenetic location: 15q23.
Variant type: single nucleotide variant.
Coding change: c.285G>C on transcript NM_000520.6 (MANE Select); coding-DNA position 285, G replaced by C.
Protein change: p.Leu95Phe; replaces leucine 95 with phenylalanine.
Molecular consequence: missense variant. On other transcripts: non-coding transcript variant (1).
Genome position (GRCh38, 1-based): chr15:72,356,586, C>G on the plus strand (G>C on the coding strand, the complement: HEXA is on the minus strand). VCF-style: chr15-72356586-C-G. GRCh37 (hg19) VCF-style: chr15-72648927-C-G.
Other names: c.318G>C, p.Leu106Phe (NM_001318825.2); short protein forms L106F, L95F.
Identifiers: ClinVar variation 2169041 (VCV002169041.1), dbSNP rs765667778, ClinGen allele CA7645046.
Genomic context (GRCh38, chr15:72,356,586, plus strand): 5'-ATTCTCCACTGACTCCAAAGTAGGAAGCTGGTTACATCCAGGTGTGACTACAGAGACAAC[C>G]AACACATTCTTCTCCAGTGTATGCCGTTTCCCTAGGAAGACAGGGTAAGCTTGGTGCGGC-3'
Protein context (NP_000511.2, residues 85-105): GKRHTLEKNV[Leu95Phe]VVSVVTPGCN

ClinVar aggregate classification (germline): Uncertain significance (1 of 4 stars; one submission).

Conditions:
Tay-Sachs disease (TSD). Also called: GM2 gangliosidosis, type 1; Hexosaminidase alpha-subunit deficiency (variant B); Sphingolipidosis, Tay-Sachs; Hexosaminidase A Deficiency; HEXA DEFICIENCY; HEXA Disorders. Identifiers: Orphanet 845, MedGen C0039373, MONDO:0010100, OMIM 272800.

Allele frequency attached by ClinVar (database versions not stated): ExAC 0.00001; gnomAD 0.00001.
gnomAD v4.1: 31 of 1,613,966 alleles (0.0019%); highest among the groups gnomAD compares: African/African-American, 0.0027%; no homozygotes.

Submission:

Labcorp Genetics (formerly Invitae), Labcorp
Classification: Uncertain significance for Tay-Sachs disease. Last evaluated: 2022-07-05. Review status: criteria provided, single submitter. Criteria: Invitae Variant Classification Sherloc (09022015). Collection method: clinical testing. Allele origin: germline.
Comment: This sequence change replaces leucine, which is neutral and non-polar, with phenylalanine, which is neutral and non-polar, at codon 95 of the HEXA protein (p.Leu95Phe). This variant is present in population databases (rs765667778, gnomAD 0.003%). This variant has not been reported in the literature in individuals affected with HEXA-related conditions. Algorithms developed to predict the effect of missense changes on protein structure and function are either unavailable or do not agree on the potential impact of this missense change (SIFT: "Tolerated"; PolyPhen-2: "Probably Damaging"; Align-GVGD: "Class C0"). In summary, the available evidence is currently insufficient to determine the role of this variant in disease. Therefore, it has been classified as a Variant of Uncertain Significance.